The following is an entry in ClinVar:

ClinVar aggregate classification (germline): Uncertain significance (1 of 4 stars; one submission).

Conditions:
TOPORS-related disorder. Also called: TOPORS-related condition.

gnomAD v4.1: 8 of 1,613,816 alleles (0.0005%); highest among the groups gnomAD compares: Admixed American, 0.0017%; no homozygotes.

Submission:

PreventionGenetics, part of Exact Sciences
Classification: Uncertain significance for TOPORS-related condition. Last evaluated: 2023-02-16. Review status: criteria provided, single submitter. Criteria: ACMG Guidelines, 2015. Collection method: clinical testing. Allele origin: germline.
Comment: The TOPORS c.1144G>A variant is predicted to result in the amino acid substitution p.Glu382Lys. To our knowledge, this variant has not been reported in the literature. This variant is reported in 0.0040% of alleles in individuals of European (Finnish) descent in gnomAD. At this time, the clinical significance of this variant is uncertain due to the absence of conclusive functional and genetic evidence.

NM_005802.5(TOPORS):c.1144G>A (p.Glu382Lys)

Gene: TOPORS (TOP1 binding arginine/serine rich protein, E3 ubiquitin ligase; minus strand). Cytogenetic location: 9p21.1.
Variant type: single nucleotide variant.
Coding change: c.1144G>A on transcript NM_005802.5 (MANE Select); coding-DNA position 1144, G replaced by A.
Protein change: p.Glu382Lys; replaces glutamic acid 382 with lysine.
Molecular consequence: missense variant.
Genome position (GRCh38, 1-based): chr9:32,543,381, C>T on the plus strand (G>A on the coding strand, the complement: TOPORS is on the minus strand). VCF-style: chr9-32543381-C-T. GRCh37 (hg19) VCF-style: chr9-32543379-C-T.
Other names: c.949G>A, p.Glu317Lys (NM_001195622.2); short protein forms E317K, E382K.
Identifiers: ClinVar variation 2630536 (VCV002630536.1), dbSNP rs1405282340, ClinGen allele CA373171075.